The following is an entry in ClinVar:

ClinVar aggregate classification (germline): Conflicting classifications of pathogenicity. Review status: criteria provided, conflicting classifications (1 of 4 stars). 2 submissions from 2 submitters: Uncertain significance (1); Likely benign (1). Last evaluated 2025-05-02.

Conditions:
Inborn genetic diseases. Identifiers: MedGen C0950123, MeSH D030342.

gnomAD v4.1: 3 of 1,614,028 alleles (0.00019%); highest among the groups gnomAD compares: Admixed American, 0.0033%; no homozygotes.

Submissions (2):

Ambry Genetics
Classification: Likely benign for Inborn genetic diseases. Last evaluated: 2025-05-02. Review status: criteria provided, single submitter. Criteria: Ambry Variant Classification Scheme 2023. Collection method: clinical testing. Allele origin: germline.

GeneDx
Classification: Uncertain significance. Last evaluated: 2024-11-11. Review status: criteria provided, single submitter. Criteria: GeneDx Variant Classification Process June 2021. Collection method: clinical testing. Allele origin: germline. Affected: yes.
Comment: Not observed at significant frequency in large population cohorts (gnomAD); In silico analysis supports that this missense variant has a deleterious effect on protein structure/function; Has not been previously published as pathogenic or benign to our knowledge

NM_001378457.1(DMXL2):c.2940A>T (p.Gln980His)

Gene: DMXL2 (Dmx like 2; minus strand). Cytogenetic location: 15q21.2.
Variant type: single nucleotide variant.
Coding change: c.2940A>T on transcript NM_001378457.1 (MANE Select); coding-DNA position 2940, A replaced by T.
Protein change: p.Gln980His; replaces glutamine 980 with histidine.
Molecular consequence: missense variant. On other transcripts: non-coding transcript variant (2), intron variant (2).
Genome position (GRCh38, 1-based): chr15:51,502,858, T>A on the plus strand (A>T on the coding strand, the complement: DMXL2 is on the minus strand). VCF-style: chr15-51502858-T-A. GRCh37 (hg19) VCF-style: chr15-51795055-T-A.
Other names: c.2940A>T, p.Gln980His (NM_001174116.3, NM_001378458.1, NM_001378459.1 and 4 more transcripts); c.2700A>T, p.Gln900His (NM_001378464.1); c.2764+4276A>T (NM_001378460.1, NM_001174117.3); short protein forms Q900H, Q980H.
Identifiers: ClinVar variation 3898794 (VCV003898794.2).